The following is an entry in ClinVar:

NM_000238.4(KCNH2):c.1067G>A (p.Arg356His)

Gene: KCNH2 (potassium voltage-gated channel subfamily H member 2; minus strand). Cytogenetic location: 7q36.1.
Variant type: single nucleotide variant.
Coding change: c.1067G>A on transcript NM_000238.4 (MANE Select); coding-DNA position 1067, G replaced by A.
Protein change: p.Arg356His; replaces arginine 356 with histidine.
Molecular consequence: missense variant.
Genome position (GRCh38, 1-based): chr7:150,957,352, C>T on the plus strand (G>A on the coding strand, the complement: KCNH2 is on the minus strand). VCF-style: chr7-150957352-C-T. GRCh37 (hg19) VCF-style: chr7-150654440-C-T.
Other names: c.779G>A, p.Arg260His (NM_001406753.1, NM_001406756.1); c.890G>A, p.Arg297His (NM_001406755.1); c.767G>A, p.Arg256His (NM_001406757.1); c.1067G>A, p.Arg356His (NM_172056.3); short protein forms R356H, R256H, R260H, R297H.
Identifiers: ClinVar variation 180382 (VCV000180382.31), dbSNP rs730880118, ClinGen allele CA004196.

ClinVar aggregate classification (germline): Conflicting classifications of pathogenicity. Review status: criteria provided, conflicting classifications (1 of 4 stars). 7 submissions from 7 submitters: Uncertain significance (6); Likely benign (1). Last evaluated 2025-12-19.

Conditions:
Cardiac arrhythmia. Also called: Arrhythmia; Cardiac rhythm disease. Identifiers: MedGen C0003811, MONDO:0007263, HP:0011675.
Cardiovascular phenotype. Identifiers: MedGen CN230736.
Long QT syndrome (LQTS). Identifiers: MedGen C0023976, MeSH D008133, MONDO:0002442. Disease mechanism: loss of function. Inheritance: Various modes of inheritance.

Allele frequency attached by ClinVar (database versions not stated): TOPMed 0.00002; gnomAD 0.00003; ExAC 0.00004; gnomAD exomes 0.00006 and 0.00008.
gnomAD v4.1: 118 of 1,612,202 alleles (0.0073%); highest among the groups gnomAD compares: Non-Finnish European, 0.0086%; no homozygotes.

Submissions (7):

Labcorp Genetics (formerly Invitae), Labcorp
Classification: Uncertain significance for Long QT syndrome. Last evaluated: 2025-12-19. Review status: criteria provided, single submitter. Criteria: Invitae Variant Classification Sherloc (09022015). Collection method: clinical testing. Allele origin: germline.
Comment: This sequence change replaces arginine, which is basic and polar, with histidine, which is basic and polar, at codon 356 of the KCNH2 protein (p.Arg356His). This variant is present in population databases (rs730880118, gnomAD 0.01%). This missense change has been observed in individual(s) with atrioventricular nodal reentry tachycardia and/or clinical features of long QT syndrome (PMID: 23631430, 24667783, 29396561). ClinVar contains an entry for this variant (Variation ID: 180382). An algorithm developed to predict the effect of missense changes on protein structure and function (PolyPhen-2) suggests that this variant is likely to be disruptive. In summary, the available evidence is currently insufficient to determine the role of this variant in disease. Therefore, it has been classified as a Variant of Uncertain Significance.

Color Diagnostics, LLC DBA Color Health
Classification: Uncertain significance for Cardiac arrhythmia. Last evaluated: 2025-12-11. Review status: criteria provided, single submitter. Criteria: ACMG Guidelines, 2015. Collection method: clinical testing. Allele origin: germline.
Comment: This missense variant replaces arginine with histidine at codon 356 of the KCNH2 protein. Computational prediction is inconclusive regarding the impact of this variant on protein structure and function. To our knowledge, functional studies have not been reported for this variant. This variant has been identified in 118/1612202 chromosomes in the general population by the Genome Aggregation Database (gnomAD). The available evidence is insufficient to determine the role of this variant in disease conclusively. Therefore, this variant is classified as a Variant of Uncertain Significance.

All of Us Research Program, National Institutes of Health
Classification: Uncertain significance for Long QT syndrome. Last evaluated: 2024-07-29. Review status: criteria provided, single submitter. Criteria: ACMG Guidelines, 2015. Collection method: clinical testing. Allele origin: germline. Inheritance: Autosomal dominant inheritance. Observed: 21 variant alleles, 21 heterozygotes.
Comment: This missense variant replaces arginine with histidine at codon 356 of the KCNH2 protein. Computational prediction is inconclusive regarding the impact of this variant on protein structure and function (internally defined REVEL score threshold 0.5 < inconclusive < 0.7, PMID: 27666373). To our knowledge, functional studies have not been reported for this variant. This variant has been identified in 15/277414 chromosomes in the general population by the Genome Aggregation Database (gnomAD). The available evidence is insufficient to determine the role of this variant in disease conclusively. Therefore, this variant is classified as a Variant of Uncertain Significance.

This study involves interpretation of variants in research participants for the purpose of population health screening. Participant phenotype was not available at the time of variant classification. Additional details can be found in publication PMID: 35346344, PMCID: PMC8962531

Blueprint Genetics
Classification: Uncertain significance. Last evaluated: 2024-05-02. Review status: criteria provided, single submitter. Criteria: ACMG Guidelines, 2015. Collection method: clinical testing. Allele origin: germline.

Ambry Genetics
Classification: Likely benign for Cardiovascular phenotype. Last evaluated: 2024-02-26. Review status: criteria provided, single submitter. Criteria: Ambry Variant Classification Scheme 2023. Collection method: clinical testing. Allele origin: germline.

GeneDx
Classification: Uncertain significance. Last evaluated: 2023-05-17. Review status: criteria provided, single submitter. Criteria: GeneDx Variant Classification Process June 2021. Collection method: clinical testing. Allele origin: germline. Affected: yes.
Comment: Reported in an individual with LQTS who also carried a pathogenic KCNH2 variant that independently segregated with disease in the family (Riuro et al., 2015); In silico analysis supports that this missense variant does not alter protein structure/function; This variant is associated with the following publications: (PMID: 24667783)

Eurofins Ntd Llc (ga)
Classification: Uncertain significance. Last evaluated: 2017-09-22. Review status: criteria provided, single submitter. Criteria: EGL Classification Definitions 2015. Collection method: clinical testing. Allele origin: germline. Observed: 1 variant allele, 1 heterozygote.

Literature cited by the submitters: PubMed 23631430 (cited by 3 submitters); PubMed 24667783 (cited by 4 submitters); PubMed 29396561 (cited by 3 submitters).